The following is an entry in ClinVar:

NM_015346.4(ZFYVE26):c.2083C>T (p.Gln695Ter)

Gene: ZFYVE26 (zinc finger FYVE-type containing 26; minus strand). Cytogenetic location: 14q24.1.
Variant type: single nucleotide variant.
Coding change: c.2083C>T on transcript NM_015346.4 (MANE Select); coding-DNA position 2083, C replaced by T.
Protein change: p.Gln695Ter; replaces glutamine 695 with a stop codon.
Molecular consequence: nonsense.
Genome position (GRCh38, 1-based): chr14:67,798,179, G>A on the plus strand (C>T on the coding strand, the complement: ZFYVE26 is on the minus strand). VCF-style: chr14-67798179-G-A. GRCh37 (hg19) VCF-style: chr14-68264896-G-A.
Other names: short protein forms Q695*.
Identifiers: ClinVar variation 849692 (VCV000849692.7), dbSNP rs2039997721, ClinGen allele CA390175215.

ClinVar aggregate classification (germline): Pathogenic (1 of 4 stars; one submission).

Conditions:
Spastic paraplegia. Identifiers: MedGen C0037772, HP:0001258.

Submission:

Labcorp Genetics (formerly Invitae), Labcorp
Classification: Pathogenic for Spastic paraplegia. Last evaluated: 2019-02-13. Review status: criteria provided, single submitter. Criteria: Invitae Variant Classification Sherloc (09022015). Collection method: clinical testing. Allele origin: germline.
Comment: For these reasons, this variant has been classified as Pathogenic. Loss-of-function variants in ZFYVE26 are known to be pathogenic (PMID: 18394578, 19805727). This variant has not been reported in the literature in individuals with ZFYVE26-related conditions. This variant is not present in population databases (ExAC no frequency). This sequence change creates a premature translational stop signal (p.Gln695*) in the ZFYVE26 gene. It is expected to result in an absent or disrupted protein product.

Literature cited by the submitters: PubMed 18394578; PubMed 19805727.